The following is an entry in ClinVar:

NM_000492.4(CFTR):c.3960T>C (p.Asp1320=)

Gene: CFTR (CF transmembrane conductance regulator; plus strand). Cytogenetic location: 7q31.2.
Variant type: single nucleotide variant.
Coding change: c.3960T>C on transcript NM_000492.4 (MANE Select); coding-DNA position 3960, T replaced by C.
Protein change: p.Asp1320=; no amino-acid change (aspartic acid 1320 retained).
Molecular consequence: synonymous variant.
Genome position (GRCh38, 1-based): chr7:117,652,928, T>C. VCF-style: chr7-117652928-T-C. GRCh37 (hg19) VCF-style: chr7-117292982-T-C.
Other names: c.3960T>C (NM_000492.3).
Identifiers: ClinVar variation 1115264 (VCV001115264.12), dbSNP rs2116195757, ClinGen allele CA457229965.

ClinVar aggregate classification (germline): Likely benign. Review status: criteria provided, multiple submitters, no conflicts (2 of 4 stars). 3 submissions from 3 submitters: Likely benign (2). 1 of the submissions does not count toward it. Last evaluated 2022-12-11.

Conditions:
CFTR-related disorder (CFTR-RD). Also called: CFTR-related condition; CFTR-related disorders. Identifiers: MedGen C5924204, MONDO:7770004.
Cystic fibrosis (CF). Also called: MUCOVISCIDOSIS. Identifiers: Orphanet 586, MedGen C0010674, MONDO:0009061, OMIM 219700. Disease mechanism: loss of function.

Submissions (3):

Ambry Genetics
Classification: Likely benign for Cystic fibrosis. Last evaluated: 2022-12-11. Review status: criteria provided, single submitter. Criteria: Ambry Variant Classification Scheme 2023. Collection method: clinical testing. Allele origin: germline.

Labcorp Genetics (formerly Invitae), Labcorp
Classification: Likely benign for Cystic fibrosis. Last evaluated: 2022-04-08. Review status: criteria provided, single submitter. Criteria: Invitae Variant Classification Sherloc (09022015). Collection method: clinical testing. Allele origin: germline.

PreventionGenetics, part of Exact Sciences
Classification: Likely benign for CFTR-related condition. Last evaluated: 2021-06-14. Review status: no assertion criteria provided. Collection method: clinical testing. Allele origin: germline. Not counted in ClinVar's aggregate classification.
Comment: This variant is classified as likely benign based on ACMG/AMP sequence variant interpretation guidelines (Richards et al. 2015 PMID: 25741868, with internal and published modifications).